The following is an entry in ClinVar:

ClinVar aggregate classification (germline): Uncertain significance (1 of 4 stars; one submission).

Conditions:
Neurofibromatosis, type 1 (NF1). Also called: VON RECKLINGHAUSEN DISEASE; Neurofibromatosis, type I; NEUROFIBROMATOSIS, TYPE I, SOMATIC; Peripheral type neurofibromatosis. Identifiers: Orphanet 636, MedGen C0027831, MONDO:0018975, OMIM 162200. Disease mechanism: loss of function.

Submission:

Labcorp Genetics (formerly Invitae), Labcorp
Classification: Uncertain significance for Neurofibromatosis, type 1. Last evaluated: 2025-05-27. Review status: criteria provided, single submitter. Criteria: Invitae Variant Classification Sherloc (09022015). Collection method: clinical testing. Allele origin: germline.
Comment: This sequence change replaces leucine, which is neutral and non-polar, with valine, which is neutral and non-polar, at codon 1113 of the NF1 protein (p.Leu1113Val). This variant is not present in population databases (gnomAD no frequency). This variant has not been reported in the literature in individuals affected with NF1-related conditions. Invitae Evidence Modeling of protein sequence and biophysical properties (such as structural, functional, and spatial information, amino acid conservation, physicochemical variation, residue mobility, and thermodynamic stability) has been performed for this missense variant. However, the output from this modeling did not meet the statistical confidence thresholds required to predict the impact of this variant on NF1 protein function. In summary, the available evidence is currently insufficient to determine the role of this variant in disease. Therefore, it has been classified as a Variant of Uncertain Significance.

NM_001042492.3(NF1):c.3337C>G (p.Leu1113Val)

Gene: NF1 (neurofibromin 1; plus strand). Cytogenetic location: 17q11.2.
Variant type: single nucleotide variant.
Coding change: c.3337C>G on transcript NM_001042492.3 (MANE Select); coding-DNA position 3337, C replaced by G.
Protein change: p.Leu1113Val; replaces leucine 1113 with valine.
Molecular consequence: missense variant.
Genome position (GRCh38, 1-based): chr17:31,232,722, C>G. VCF-style: chr17-31232722-C-G. GRCh37 (hg19) VCF-style: chr17-29559740-C-G.
Other names: c.3337C>G, p.Leu1113Val (NM_000267.4); short protein forms L1113V.
Identifiers: ClinVar variation 4800747 (VCV004800747.1).